The following is an entry in ClinVar:

ClinVar aggregate classification (germline): Uncertain significance. Review status: criteria provided, multiple submitters, no conflicts (2 of 4 stars). 3 submissions from 3 submitters: Uncertain significance (3). Last evaluated 2025-05-23.

Conditions:
Hyperalphalipoproteinemia 1 (HALP1). Also called: CETP-Related Hyperalphalipoproteinemia; CETP DEFICIENCY. Identifiers: MedGen C3149462, OMIM 143470.

Allele frequency attached by ClinVar (database versions not stated): TOPMed 0.00002.
gnomAD v4.1: 8 of 1,613,982 alleles (0.0005%); highest among the groups gnomAD compares: Admixed American, 0.0083%; no homozygotes.

Submissions (3):

Ambry Genetics
Classification: Uncertain significance. Last evaluated: 2025-05-23. Review status: criteria provided, single submitter. Criteria: Ambry Variant Classification Scheme 2023. Collection method: clinical testing. Allele origin: germline.

Labcorp Genetics (formerly Invitae), Labcorp
Classification: Uncertain significance. Last evaluated: 2024-03-26. Review status: criteria provided, single submitter. Criteria: Invitae Variant Classification Sherloc (09022015). Collection method: clinical testing. Allele origin: germline.
Comment: This sequence change replaces threonine, which is neutral and polar, with isoleucine, which is neutral and non-polar, at codon 8 of the CETP protein (p.Thr8Ile). This variant is present in population databases (no rsID available, gnomAD 0.003%). This variant has not been reported in the literature in individuals affected with CETP-related conditions. ClinVar contains an entry for this variant (Variation ID: 2627414). Experimental studies and prediction algorithms are not available or were not evaluated, and the functional significance of this variant is currently unknown. In summary, the available evidence is currently insufficient to determine the role of this variant in disease. Therefore, it has been classified as a Variant of Uncertain Significance.

Neuberg Centre For Genomic Medicine, NCGM
Classification: Uncertain significance for Hyperalphalipoproteinemia 1. Review status: criteria provided, single submitter. Criteria: ACMG Guidelines, 2015. Collection method: clinical testing. Allele origin: germline. Inheritance: Autosomal dominant inheritance. Affected: yes.
Comment: The missense variant p.T8I in CETP (NM_000078.3) has not been reported previously as a pathogenic variant nor as a benign variant, to our knowledge. The variant is observed in 1/34580 (0.0029%) alleles from individuals of Latino background in the gnomAD dataset (Exome Aggregation Consortium et al., 2016), but was not seen in the homozygous state. There is a moderate physicochemical difference between threonine and isoleucine. The p.T8I missense variant is predicted to be damaging by SIFT. For these reasons, this variant has been classified as Uncertain Significance.

NM_000078.3(CETP):c.23C>T (p.Thr8Ile)

Gene: CETP (cholesteryl ester transfer protein; plus strand). Cytogenetic location: 16q13.
Variant type: single nucleotide variant.
Coding change: c.23C>T on transcript NM_000078.3 (MANE Select); coding-DNA position 23, C replaced by T.
Protein change: p.Thr8Ile; replaces threonine 8 with isoleucine.
Molecular consequence: missense variant.
Genome position (GRCh38, 1-based): chr16:56,962,002, C>T. VCF-style: chr16-56962002-C-T. GRCh37 (hg19) VCF-style: chr16-56995914-C-T.
Other names: c.23C>T, p.Thr8Ile (NM_001286085.2); short protein forms T8I.
Identifiers: ClinVar variation 2627414 (VCV002627414.4), dbSNP rs991188482, ClinGen allele CA281516602.
Genomic context (GRCh38, chr16:56,962,002, plus strand): 5'-AACGGCTCGGGCCACTTACACACCACTGCCTGATAACCATGCTGGCTGCCACAGTCCTGA[C>T]CCTGGCCCTGCTGGGCAATGCCCATGCCTGCTCCAAAGGCACCTCGCACGAGGCAGGCAT-3'
Protein context (NP_000069.2, residues 1-18): MLAATVL[Thr8Ile]LALLGNAHAC